The following is an entry in ClinVar:

ClinVar aggregate classification (germline): Pathogenic/Likely pathogenic. Review status: criteria provided, multiple submitters, no conflicts (2 of 4 stars). 7 submissions from 7 submitters: Pathogenic (5); Likely pathogenic (2). Last evaluated 2025-11-01.

Conditions:
Congenital disorder of deglycosylation 1. Also called: NGLY1-Related Congenital Disorder of Deglycosylation; NGLY1-deficiency. Identifiers: Orphanet 404454, MedGen CN306977, MONDO:0800044, OMIM 615273.
Congenital disorder of deglycosylation (CDDG). Identifiers: MedGen C3808991, MONDO:0031376.

Allele frequency attached by ClinVar (database versions not stated): TOPMed 0.00001; gnomAD 0.00002.
gnomAD v4.1: 23 of 1,613,496 alleles (0.0014%); highest among the groups gnomAD compares: East Asian, 0.0067%; no homozygotes.

Submissions (7):

Medical Molecular Genetics, National Research Centre
Classification: Likely pathogenic for Congenital disorder of deglycosylation 1. Last evaluated: 2025-11-01. Review status: criteria provided, single submitter. Criteria: ACMG Guidelines, 2015. Collection method: research. Allele origin: inherited. Affected: yes.

Clinical Genetics Laboratory, Skane University Hospital Lund
Classification: Pathogenic for Congenital disorder of deglycosylation 1. Last evaluated: 2025-04-24. Review status: criteria provided, single submitter. Criteria: ACMG Guidelines, 2015. Collection method: clinical testing. Allele origin: germline. Inheritance: Autosomal recessive inheritance. Affected: yes.

Labcorp Genetics (formerly Invitae), Labcorp
Classification: Pathogenic for Congenital disorder of deglycosylation. Last evaluated: 2025-03-01. Review status: criteria provided, single submitter. Criteria: Invitae Variant Classification Sherloc (09022015). Collection method: clinical testing. Allele origin: germline.
Comment: This sequence change replaces tyrosine, which is neutral and polar, with cysteine, which is neutral and slightly polar, at codon 342 of the NGLY1 protein (p.Tyr342Cys). This variant is present in population databases (rs757712371, gnomAD 0.003%). This missense change has been observed in individual(s) with NGLY1-related conditions (PMID: 31965062). In at least one individual the data is consistent with being in trans (on the opposite chromosome) from a pathogenic variant. It has also been observed to segregate with disease in related individuals. ClinVar contains an entry for this variant (Variation ID: 807450). Invitae Evidence Modeling of protein sequence and biophysical properties (such as structural, functional, and spatial information, amino acid conservation, physicochemical variation, residue mobility, and thermodynamic stability) indicates that this missense variant is expected to disrupt NGLY1 protein function with a positive predictive value of 80%. Experimental studies have shown that this missense change affects NGLY1 function (PMID: 31965062). For these reasons, this variant has been classified as Pathogenic.

Women's Health and Genetics/Laboratory Corporation of America, LabCorp
Classification: Pathogenic for Congenital disorder of deglycosylation. Last evaluated: 2024-09-12. Review status: criteria provided, single submitter. Criteria: LabCorp Variant Classification Summary - May 2015. Collection method: clinical testing. Allele origin: germline.
Comment: Variant summary: NGLY1 c.1025A>G (p.Tyr342Cys) results in a non-conservative amino acid change located in the Transglutaminase-like domain (IPR002931) of the encoded protein sequence. Four of five in-silico tools predict a damaging effect of the variant on protein function. The variant allele was found at a frequency of 1.2e-05 in 249962 control chromosomes. c.1025A>G has been reported in the literature in compound heterozygous individuals affected with Congenital Disorder Of Deglycosylation (e.g. Abuduxikuer_2020, Stanclift_2022). These data indicate that the variant is likely to be associated with disease. At least one publication reports experimental evidence evaluating an impact on protein function. The most pronounced variant effect results in significantly reduced glycosidase activity (Abuduxikuer_2020). The following publications have been ascertained in the context of this evaluation (PMID: 31965062, 36528660). ClinVar contains an entry for this variant (Variation ID: 807450). Based on the evidence outlined above, the variant was classified as pathogenic.

GeneDx
Classification: Pathogenic. Last evaluated: 2022-09-12. Review status: criteria provided, single submitter. Criteria: GeneDx Variant Classification Process June 2021. Collection method: clinical testing. Allele origin: germline. Affected: yes.
Comment: Published functional studies demonstrate a damaging effect, as the Y342C enzyme failed to cleave an oligosaccharide substrate, resulting in no glycosidase activity (Abuduxikuer et al., 2020); Not observed at significant frequency in large population cohorts (gnomAD); In silico analysis supports that this missense variant has a deleterious effect on protein structure/function; This variant is associated with the following publications: (PMID: 35565658, 33497766, 31965062, 35406718, 32422350, 33098801, 33619735)

Institute of Human Genetics Munich, TUM University Hospital
Classification: Pathogenic for Congenital disorder of deglycosylation 1. Last evaluated: 2020-12-09. Review status: criteria provided, single submitter. Criteria: Classification criteria August 2017. Collection method: clinical testing. Allele origin: paternal. Inheritance: Autosomal recessive inheritance. Affected: yes. Observed: 2 variant alleles.

Juno Genomics, Hangzhou Juno Genomics, Inc
Classification: Likely pathogenic for Congenital disorder of deglycosylation 1. Review status: criteria provided, single submitter. Criteria: ACMG Guidelines, 2015. Collection method: clinical testing. Allele origin: germline.
Comment: Absent from controls (or at extremely low frequency if recessive) in Genome Aggregation Database.;For recessive disorders, detected in trans with a pathogenic variant.;Patient's phenotype or family history is highly specific for a disease with a single genetic etiology.;Co-segregation with disease in multiple affected family members.;Well-established in vitro or in vivo functional studies supportive of a damaging effect on the gene or gene product.

Literature cited by the submitters: PubMed 31965062 (cited by Labcorp Genetics (formerly Invitae), Labcorp and Women's Health and Genetics/Laboratory Corporation of America, LabCorp); PubMed 36528660 (cited by Women's Health and Genetics/Laboratory Corporation of America, LabCorp).

NM_018297.4(NGLY1):c.1025A>G (p.Tyr342Cys)

Gene: NGLY1 (N-glycanase 1; minus strand). Cytogenetic location: 3p24.2.
Variant type: single nucleotide variant.
Coding change: c.1025A>G on transcript NM_018297.4 (MANE Select); coding-DNA position 1025, A replaced by G.
Protein change: p.Tyr342Cys; replaces tyrosine 342 with cysteine.
Molecular consequence: missense variant. On other transcripts: intron variant (1).
Genome position (GRCh38, 1-based): chr3:25,736,128, T>C on the plus strand (A>G on the coding strand, the complement: NGLY1 is on the minus strand). VCF-style: chr3-25736128-T-C. GRCh37 (hg19) VCF-style: chr3-25777619-T-C.
Other names: c.1025A>G (NM_018297.3); c.899A>G, p.Tyr300Cys (NM_001145294.2); c.1025A>G, p.Tyr342Cys (NM_001145295.2); c.1095+181A>G (NM_001145293.2); short protein forms Y300C, Y342C.
Identifiers: ClinVar variation 807450 (VCV000807450.17), dbSNP rs757712371, ClinGen allele CA2289289.